The following is an entry in ClinVar:

ClinVar aggregate classification (germline): Benign/Likely benign. Review status: criteria provided, multiple submitters, no conflicts (2 of 4 stars). 9 submissions from 9 submitters: Benign (4); Likely benign (4). 1 of the submissions does not count toward it. Last evaluated 2026-01-28.

Conditions:
BAP1-related disorder. Also called: BAP1-related condition.
Hereditary cancer-predisposing syndrome. Also called: Neoplastic Syndromes, Hereditary; Hereditary Cancer Syndrome; Tumor predisposition; Hereditary neoplastic syndrome. Identifiers: Orphanet 140162, MedGen C0027672, MeSH D009386, MONDO:0015356.
BAP1-related tumor predisposition syndrome (TPDS1). Also called: BAP1 tumor predisposition syndrome; TUMOR PREDISPOSITION SYNDROME 1; Tumor susceptibility linked to germline BAP1 mutations; COMMON Syndrome. Identifiers: Orphanet 289539, MedGen C3280492, MONDO:0013692, OMIM 614327.

Allele frequency attached by ClinVar (database versions not stated): gnomAD exomes 0.00005 and 0.00016; 1000 Genomes Project 0.00020; ExAC 0.00021; 1000 Genomes Project 30x 0.00031; ESP Exome Variant Server 0.00038; gnomAD 0.00058 and 0.00059; TOPMed 0.00066.
gnomAD v4.1: 172 of 1,614,174 alleles (0.011%); highest among the groups gnomAD compares: African/African-American, 0.2%; 1 homozygote.

Submissions (9):

Labcorp Genetics (formerly Invitae), Labcorp
Classification: Benign for BAP1-related tumor predisposition syndrome. Last evaluated: 2026-01-28. Review status: criteria provided, single submitter. Criteria: Invitae Variant Classification Sherloc (09022015). Collection method: clinical testing. Allele origin: germline.

Center for Genomic Medicine, Rigshospitalet, Copenhagen University Hospital
Classification: Likely benign. Last evaluated: 2025-03-04. Review status: criteria provided, single submitter. Criteria: ACMG Guidelines, 2015. Collection method: clinical testing. Allele origin: germline.

Myriad Genetics, Inc.
Classification: Benign for BAP1-related tumor predisposition syndrome. Last evaluated: 2024-07-12. Review status: criteria provided, single submitter. Criteria: Myriad Autosomal Dominant, Autosomal Recessive and X-Linked Classification Criteria (2023). Collection method: clinical testing. Allele origin: unknown.
Comment: This variant is considered benign. This variant is a silent/synonymous amino acid change and it is not expected to impact splicing.

Blueprint Genetics
Classification: Likely benign. Last evaluated: 2024-06-04. Review status: criteria provided, single submitter. Criteria: ACMG Guidelines, 2015. Collection method: clinical testing. Allele origin: germline.

Sema4
Classification: Benign for Hereditary cancer-predisposing syndrome. Last evaluated: 2022-01-25. Review status: criteria provided, single submitter. Criteria: Sema4 Curation Guidelines. Collection method: curation. Allele origin: germline.

GeneDx
Classification: Likely benign. Last evaluated: 2021-05-13. Review status: criteria provided, single submitter. Criteria: GeneDx Variant Classification Process June 2021. Collection method: clinical testing. Allele origin: germline. Affected: yes.

Color Diagnostics, LLC DBA Color Health
Classification: Benign for Hereditary cancer-predisposing syndrome. Last evaluated: 2016-03-18. Review status: criteria provided, single submitter. Criteria: ACMG Guidelines, 2015. Collection method: clinical testing. Allele origin: germline.

Ambry Genetics
Classification: Likely benign for Hereditary cancer-predisposing syndrome. Last evaluated: 2015-08-30. Review status: criteria provided, single submitter. Criteria: Ambry Variant Classification Scheme 2023. Collection method: clinical testing. Allele origin: germline.

PreventionGenetics, part of Exact Sciences
Classification: Likely benign for BAP1-related condition. Last evaluated: 2019-08-27. Review status: no assertion criteria provided. Collection method: clinical testing. Allele origin: germline. Not counted in ClinVar's aggregate classification.
Comment: This variant is classified as likely benign based on ACMG/AMP sequence variant interpretation guidelines (Richards et al. 2015 PMID: 25741868, with internal and published modifications).

NM_004656.4(BAP1):c.519T>C (p.Tyr173=)

Gene: BAP1 (BRCA1 associated deubiquitinase 1; minus strand). Cytogenetic location: 3p21.1.
Variant type: single nucleotide variant.
Coding change: c.519T>C on transcript NM_004656.4 (MANE Select); coding-DNA position 519, T replaced by C.
Protein change: p.Tyr173=; no amino-acid change (tyrosine 173 retained).
Molecular consequence: synonymous variant.
Genome position (GRCh38, 1-based): chr3:52,407,235, A>G on the plus strand (T>C on the coding strand, the complement: BAP1 is on the minus strand). VCF-style: chr3-52407235-A-G. GRCh37 (hg19) VCF-style: chr3-52441251-A-G.
Other names: c.519T>C (LRG_529t1).
Identifiers: ClinVar variation 240061 (VCV000240061.29), dbSNP rs143901408, ClinGen allele CA2437062.